The following is an entry in ClinVar:

NM_003396.3(WNT9B):c.772C>T (p.Arg258Cys)

Genes: LRRC37A2 (leucine rich repeat containing 37 member A2), WNT9B (Wnt family member 9B; plus strand). Cytogenetic location: 17q21.32.
Variant type: single nucleotide variant.
Coding change: c.772C>T on transcript NM_003396.3 (MANE Select); coding-DNA position 772, C replaced by T.
Protein change: p.Arg258Cys; replaces arginine 258 with cysteine.
Molecular consequence: missense variant.
Genome position (GRCh38, 1-based): chr17:46,876,416, C>T. VCF-style: chr17-46876416-C-T. GRCh37 (hg19) VCF-style: chr17-44953782-C-T.
Other names: c.772C>T, p.Arg258Cys (NM_001320458.2); short protein forms R258C.
Identifiers: ClinVar variation 3470878 (VCV003470878.2).
Genomic context (GRCh38, chr17:46,876,416, plus strand): 5'-CTGAAACTGCGCTATGACTCGGCTGTCAAGGTGTCCAGTGCCACCAATGAGGCCTTGGGC[C>T]GCCTAGAGCTGTGGGCCCCTGCCAGGCAGGGCAGCCTCACCAAAGGCCTGGCCCCAAGGT-3'
Protein context (NP_003387.1, residues 248-268): VSSATNEALG[Arg258Cys]LELWAPARQG

ClinVar aggregate classification (germline): Uncertain significance. Review status: criteria provided, multiple submitters, no conflicts (2 of 4 stars). 2 submissions from 2 submitters: Uncertain significance (2). Last evaluated 2025-12-09.

Conditions:
Inborn genetic diseases. Identifiers: MedGen C0950123, MeSH D030342.

gnomAD v4.1: 23 of 1,613,696 alleles (0.0014%); highest among the groups gnomAD compares: African/African-American, 0.0027%; no homozygotes.

Submissions (2):

Labcorp Genetics (formerly Invitae), Labcorp
Classification: Uncertain significance. Last evaluated: 2025-12-09. Review status: criteria provided, single submitter. Criteria: Invitae Variant Classification Sherloc (09022015). Collection method: clinical testing. Allele origin: germline.
Comment: This sequence change replaces arginine, which is basic and polar, with cysteine, which is neutral and slightly polar, at codon 258 of the WNT9B protein (p.Arg258Cys). This variant is present in population databases (rs771539878, gnomAD 0.004%). This variant has not been reported in the literature in individuals affected with WNT9B-related conditions. ClinVar contains an entry for this variant (Variation ID: 3470878). An algorithm developed to predict the effect of missense changes on protein structure and function (PolyPhen-2) suggests that this variant is likely to be disruptive. In summary, the available evidence is currently insufficient to determine the role of this variant in disease. Therefore, it has been classified as a Variant of Uncertain Significance.

Ambry Genetics
Classification: Uncertain significance for Inborn genetic diseases. Last evaluated: 2024-07-30. Review status: criteria provided, single submitter. Criteria: Ambry Variant Classification Scheme 2023. Collection method: clinical testing. Allele origin: germline.